The following is an entry in ClinVar:

NM_000214.3(JAG1):c.744A>C (p.Pro248=)

Gene: JAG1 (jagged canonical Notch ligand 1; minus strand). Cytogenetic location: 20p12.2.
Variant type: single nucleotide variant.
Coding change: c.744A>C on transcript NM_000214.3 (MANE Select); coding-DNA position 744, A replaced by C.
Protein change: p.Pro248=; no amino-acid change (proline 248 retained).
Molecular consequence: synonymous variant.
Genome position (GRCh38, 1-based): chr20:10,656,409, T>G on the plus strand (A>C on the coding strand, the complement: JAG1 is on the minus strand). VCF-style: chr20-10656409-T-G. GRCh37 (hg19) VCF-style: chr20-10637057-T-G.
Identifiers: ClinVar variation 4995238 (VCV004995238.1).
Genomic context (GRCh38, chr20:10,656,409, plus strand): 5'-TACATAAAGGAAAATTAAAAGAAATCTCACAAAAGACCAGTTGATTTACCTGCAGTCACC[T>G]GGGAGTTTGCAAGACCCATGCTTAGGACTGCAGCCTTGTCGGCAAATAGCTGTAAAAAAC-3'
Protein context (NP_000205.1, residues 238-258): CSPKHGSCKL[Pro248=]GDCRCQYGWQ

ClinVar aggregate classification (germline): Likely benign (1 of 4 stars; one submission).

Conditions:
JAG1-related disorder. Also called: JAG1-related disorders; JAG1-related condition.

Submission:

PreventionGenetics, part of Exact Sciences
Classification: Likely benign for JAG1-related condition. Last evaluated: 2025-10-28. Review status: criteria provided, single submitter. Criteria: ACMG Guidelines, 2015. Collection method: clinical testing. Allele origin: germline.
Comment: This variant is classified as likely benign based on ACMG/AMP sequence variant interpretation guidelines (Richards et al. 2015 PMID: 25741868, with internal and published modifications).